The following is an entry in ClinVar:

ClinVar aggregate classification (germline): Likely pathogenic (1 of 4 stars; one submission).

Submission:

Labcorp Genetics (formerly Invitae), Labcorp
Classification: Likely pathogenic. Last evaluated: 2022-08-16. Review status: criteria provided, single submitter. Criteria: Invitae Variant Classification Sherloc (09022015). Collection method: clinical testing. Allele origin: germline.
Comment: In summary, the currently available evidence indicates that the variant is pathogenic, but additional data are needed to prove that conclusively. Therefore, this variant has been classified as Likely Pathogenic. This variant disrupts the C-terminus of the POC1B protein. Other variant(s) that disrupt this region (p.Arg452*) have been observed in individuals with POC1B-related conditions (PMID: 33691693). This suggests that this may be a clinically significant region of the protein. A similar copy number variant has been observed in individual(s) with POC1B-related conditions (Invitae). In at least one individual the data is consistent with being in trans (on the opposite chromosome) from a pathogenic variant. This variant is a gross deletion of the genomic region encompassing exon(s) 12 of the POC1B gene, which includes the termination codon. This deletion extends beyond the assayed region for this gene and therefore may encompass additional genes. While this deletion is not anticipated to lead to nonsense mediated decay, it is expected to alter mRNA translation or result in a truncated protein product.

Literature cited by the submitters: PubMed 33691693.

NC_000012.11:g.(?_89814930)_(89815054_?)del

Gene: POC1B (POC1 centriolar protein B; minus strand). Cytogenetic location: 12q21.33.
Variant type: Deletion.
Identifiers: ClinVar variation 2427491 (VCV002427491.4).